The following is an entry in ClinVar:

NM_001109878.2(TBX22):c.798+11T>C

Gene: TBX22 (T-box transcription factor 22). Cytogenetic location: Xq21.1.
Variant type: single nucleotide variant.
Coding change: c.798+11T>C on transcript NM_001109878.2 (MANE Select); 11 bases into the intron after coding-DNA position 798, T replaced by C.
Molecular consequence: intron variant.
Genome position (GRCh38, 1-based): chrX:80,026,879, T>C. VCF-style: chrX-80026879-T-C. GRCh37 (hg19) VCF-style: chrX-79282378-T-C.
Other names: c.438+11T>C (NM_001109879.2, NM_001303475.1); c.798+11T>C (NM_016954.2).
Identifiers: ClinVar variation 368667 (VCV000368667.6), dbSNP rs199643713, ClinGen allele CA10461297.

ClinVar aggregate classification (germline): Likely benign. Review status: criteria provided, multiple submitters, no conflicts (2 of 4 stars). 2 submissions from 2 submitters: Likely benign (2). Last evaluated 2024-11-19.

Conditions:
Cleft palate with or without ankyloglossia, X-linked. Identifiers: Orphanet 324601, MedGen C1844830, MONDO:0010560, OMIM 303400.

Allele frequency attached by ClinVar (database versions not stated): 1000 Genomes Project 0.00238; 1000 Genomes Project 30x 0.00312; gnomAD exomes 0.00496 and 0.00791; ExAC 0.00499; gnomAD 0.00504 and 0.00545; ESP Exome Variant Server 0.00577; TOPMed 0.00588.
gnomAD v4.1: 9,243 of 1,209,157 alleles (0.76%); highest among the groups gnomAD compares: Non-Finnish European, 0.93%; 39 homozygotes.

Submissions (2):

Blueprint Genetics
Classification: Likely benign. Last evaluated: 2024-11-19. Review status: criteria provided, single submitter. Criteria: ACMG Guidelines, 2015. Collection method: clinical testing. Allele origin: germline.

Illumina Laboratory Services, Illumina
Classification: Likely benign for Cleft palate with or without ankyloglossia, X-linked. Last evaluated: 2018-01-12. Review status: criteria provided, single submitter. Criteria: ICSL Variant Classification Criteria 13 December 2019. Collection method: clinical testing. Allele origin: germline.
Comment: This variant was observed in the ICSL laboratory as part of a predisposition screen in an ostensibly healthy population. It had not been previously curated by ICSL or reported in the Human Gene Mutation Database (HGMD: prior to June 1st, 2018), and was therefore a candidate for classification through an automated scoring system. Utilizing variant allele frequency, disease prevalence and penetrance estimates, and inheritance mode, an automated score was calculated to assess if this variant is too frequent to cause the disease. Based on the score and internal cut-off values, a variant classified as likely benign is not then subjected to further curation. The score for this variant resulted in a classification of likely benign for this disease.